The following is an entry in ClinVar:

ClinVar aggregate classification (germline): Uncertain significance. Review status: criteria provided, multiple submitters, no conflicts (2 of 4 stars). 3 submissions from 3 submitters: Uncertain significance (3). Last evaluated 2024-09-11.

Conditions:
Arrhythmogenic right ventricular dysplasia 2. Identifiers: MedGen C1832931.
Catecholaminergic polymorphic ventricular tachycardia 1. Also called: VENTRICULAR TACHYCARDIA, CATECHOLAMINERGIC POLYMORPHIC, 1, WITH OR WITHOUT ATRIAL DYSFUNCTION AND/OR DILATED CARDIOMYOPATHY; RYR2-Related Catecholaminergic Polymorphic Ventricular Tachycardia; VENTRICULAR TACHYCARDIA, STRESS-INDUCED POLYMORPHIC 1. Identifiers: Orphanet 3286, MedGen C1631597, MONDO:0011484, OMIM 604772.
Ventricular arrhythmias due to cardiac ryanodine receptor calcium release deficiency syndrome. Also called: Autosomal dominant cardiac arrhythmia (Kuhn). Identifiers: MedGen C5542154, MONDO:0020745, OMIM 115000.
Cardiomyopathy (CMYO). Also called: Cardiomyopathies. Identifiers: Orphanet 167848, MedGen C0878544, MONDO:0004994, HP:0001638. Inheritance: Various modes of inheritance.

Allele frequency attached by ClinVar (database versions not stated): gnomAD exomes below 0.00001.
gnomAD v4.1: 5 of 1,613,632 alleles (0.00031%); highest among the groups gnomAD compares: Non-Finnish European, 0.00034%; no homozygotes.

Submissions (3):

Labcorp Genetics (formerly Invitae), Labcorp
Classification: Uncertain significance for Catecholaminergic polymorphic ventricular tachycardia 1. Last evaluated: 2024-09-11. Review status: criteria provided, single submitter. Criteria: Invitae Variant Classification Sherloc (09022015). Collection method: clinical testing. Allele origin: germline.
Comment: This sequence change replaces glycine, which is neutral and non-polar, with alanine, which is neutral and non-polar, at codon 519 of the RYR2 protein (p.Gly519Ala). This variant is not present in population databases (gnomAD no frequency). This variant has not been reported in the literature in individuals affected with RYR2-related conditions. ClinVar contains an entry for this variant (Variation ID: 924877). Invitae Evidence Modeling of protein sequence and biophysical properties (such as structural, functional, and spatial information, amino acid conservation, physicochemical variation, residue mobility, and thermodynamic stability) indicates that this missense variant is expected to disrupt RYR2 protein function with a positive predictive value of 95%. In summary, the available evidence is currently insufficient to determine the role of this variant in disease. Therefore, it has been classified as a Variant of Uncertain Significance.

Color Diagnostics, LLC DBA Color Health
Classification: Uncertain significance for Cardiomyopathy. Last evaluated: 2023-12-05. Review status: criteria provided, single submitter. Criteria: ACMG Guidelines, 2015. Collection method: clinical testing. Allele origin: germline.
Comment: This missense variant replaces glycine with alanine at codon 519 of the RYR2 protein. Computational prediction tools and conservation analyses suggest that this variant may have deleterious impact on the protein function. Computational splicing tools suggest that this variant may not impact RNA splicing. To our knowledge, functional assays have not been performed for this variant nor has this variant been reported in individuals affected with cardiovascular disorders in the literature. This variant has not been identified in the general population by the Genome Aggregation Database (gnomAD). Available evidence is insufficient to determine the role of this variant in disease conclusively. Therefore, this variant is classified as a Variant of Uncertain Significance.

Fulgent Genetics
Classification: Uncertain significance for Ventricular arrhythmias due to cardiac ryanodine receptor calcium release deficiency syndrome; Catecholaminergic polymorphic ventricular tachycardia 1. Last evaluated: 2021-08-04. Review status: criteria provided, single submitter. Criteria: ACMG Guidelines, 2015. Collection method: clinical testing. Allele origin: unknown.

NM_001035.3(RYR2):c.1556G>C (p.Gly519Ala)

Gene: RYR2 (ryanodine receptor 2; plus strand). Cytogenetic location: 1q43.
Variant type: single nucleotide variant.
Coding change: c.1556G>C on transcript NM_001035.3 (MANE Select); coding-DNA position 1556, G replaced by C.
Protein change: p.Gly519Ala; replaces glycine 519 with alanine.
Molecular consequence: missense variant.
Genome position (GRCh38, 1-based): chr1:237,456,679, G>C. VCF-style: chr1-237456679-G-C. GRCh37 (hg19) VCF-style: chr1-237619979-G-C.
Other names: short protein forms G519A.
Identifiers: ClinVar variation 924877 (VCV000924877.8), dbSNP rs1658861680, ClinGen allele CA345381711.
Genomic context (GRCh38, chr1:237,456,679, plus strand): 5'-TTGAGTGCATAGACCGTTTGCACGTCTACAGCAGTGCAGCACACTTTGCTGATGTTGCTG[G>C]GCGAGAAGCAGGAGAGTCTTGGAAATCCATTCTGAATTCTCTGTATGAGTTGCTGGGTAA-3'
Protein context (NP_001026.2, residues 509-529): SSAAHFADVA[Gly519Ala]REAGESWKSI